The following is an entry in ClinVar:

NM_002599.5(PDE2A):c.945T>G (p.Asp315Glu)

Gene: PDE2A (phosphodiesterase 2A; minus strand). Cytogenetic location: 11q13.4.
Variant type: single nucleotide variant.
Coding change: c.945T>G on transcript NM_002599.5 (MANE Select); coding-DNA position 945, T replaced by G.
Protein change: p.Asp315Glu; replaces aspartic acid 315 with glutamic acid.
Molecular consequence: missense variant.
Genome position (GRCh38, 1-based): chr11:72,588,909, A>C on the plus strand (T>G on the coding strand, the complement: PDE2A is on the minus strand). VCF-style: chr11-72588909-A-C. GRCh37 (hg19) VCF-style: chr11-72299953-A-C.
Other names: c.924T>G, p.Asp308Glu (NM_001143839.4); c.918T>G, p.Asp306Glu (NM_001146209.3); c.882T>G, p.Asp294Glu (NM_001243784.2); short protein forms D315E, D306E, D294E, D308E.
Identifiers: ClinVar variation 1353084 (VCV001353084.6), dbSNP rs202107484, ClinGen allele CA224427190.
Genomic context (GRCh38, chr11:72,588,909, plus strand): 5'-GACAGGGACACAGAGCATGGCCTGCAGCTCACAGCCCAACATGCTCTGCAGCTGTTGTAC[A>C]TCCTCCTGCAAAGGCGAGGCAAGTCAGGGCAGGGAAGCAGGGCGCAGTATGCTTCCCTCC-3'
Protein context (NP_002590.1, residues 305-325): SIQLKDLTSE[Asp315Glu]VQQLQSMLGC

ClinVar aggregate classification (germline): Uncertain significance (1 of 4 stars; one submission).

Allele frequency attached by ClinVar (database versions not stated): gnomAD exomes below 0.00001; gnomAD 0.00002.
gnomAD v4.1: 9 of 1,601,754 alleles (0.00056%); highest among the groups gnomAD compares: Non-Finnish European, 0.00077%; no homozygotes.

Submission:

Labcorp Genetics (formerly Invitae), Labcorp
Classification: Uncertain significance. Last evaluated: 2024-01-18. Review status: criteria provided, single submitter. Criteria: Invitae Variant Classification Sherloc (09022015). Collection method: clinical testing. Allele origin: germline.
Comment: This sequence change replaces aspartic acid, which is acidic and polar, with glutamic acid, which is acidic and polar, at codon 315 of the PDE2A protein (p.Asp315Glu). This variant is present in population databases (rs202107484, gnomAD 0.0009%). This variant has not been reported in the literature in individuals affected with PDE2A-related conditions. ClinVar contains an entry for this variant (Variation ID: 1353084). Algorithms developed to predict the effect of missense changes on protein structure and function output the following: SIFT: "Not Available"; PolyPhen-2: "Benign"; Align-GVGD: "Not Available". The glutamic acid amino acid residue is found in multiple mammalian species, which suggests that this missense change does not adversely affect protein function. In summary, the available evidence is currently insufficient to determine the role of this variant in disease. Therefore, it has been classified as a Variant of Uncertain Significance.